The following is an entry in ClinVar:

ClinVar aggregate classification (germline): Pathogenic (1 of 4 stars; one submission).

Conditions:
Tuberous sclerosis 2 (TSC2). Identifiers: Orphanet 805, MedGen C1860707, MONDO:0013199, OMIM 613254.

Submission:

Labcorp Genetics (formerly Invitae), Labcorp
Classification: Pathogenic for Tuberous sclerosis 2. Last evaluated: 2018-12-15. Review status: criteria provided, single submitter. Criteria: Invitae Variant Classification Sherloc (09022015). Collection method: clinical testing. Allele origin: germline.
Comment: This variant is not present in population databases (ExAC no frequency). For these reasons, this variant has been classified as Pathogenic. Loss-of-function variants in TSC2 are known to be pathogenic (PMID: 10205261, 17304050). This variant has not been reported in the literature in individuals with TSC2-related conditions. This sequence change creates a premature translational stop signal (p.Leu590Glyfs*108) in the TSC2 gene. It is expected to result in an absent or disrupted protein product.

Literature cited by the submitters: PubMed 10205261; PubMed 17304050.

NM_000548.5(TSC2):c.1768_1769delinsG (p.Leu590fs)

Gene: TSC2 (TSC complex subunit 2; plus strand). Cytogenetic location: 16p13.3.
Variant type: Indel.
Coding change: c.1768_1769delinsG on transcript NM_000548.5 (MANE Select); coding-DNA positions 1768 to 1769, CT replaced by G.
Protein change: p.Leu590fs; shifts the reading frame from leucine 590.
Molecular consequence: frameshift variant.
Genome position (GRCh38, 1-based): chr16:2,070,507-2,070,508, CT replaced by G. VCF-style: chr16-2070507-CT-G. GRCh37 (hg19) VCF-style: chr16-2120508-CT-G.
Other names: c.1768_1769delinsG, p.Leu590fs (NM_021055.3, NM_001077183.3, NM_001114382.3 and 3 more transcripts); c.1657_1658delinsG, p.Leu553fs (NM_001318827.2); c.1621_1622delinsG, p.Leu541fs (NM_001318829.2); c.1168_1169delinsG, p.Leu390fs (NM_001318831.2); c.1801_1802delinsG, p.Leu601fs (NM_001318832.2); short protein forms L390fs, L541fs, L553fs, L590fs, L601fs.
Identifiers: ClinVar variation 661695 (VCV000661695.5), dbSNP rs1596336436, ClinGen allele CA915946246.